The following is an entry in ClinVar:

NM_014727.3(KMT2B):c.4794C>T (p.Leu1598=)

Gene: KMT2B (lysine methyltransferase 2B; plus strand). Cytogenetic location: 19q13.12.
Variant type: single nucleotide variant.
Coding change: c.4794C>T on transcript NM_014727.3 (MANE Select); coding-DNA position 4794, C replaced by T.
Protein change: p.Leu1598=; no amino-acid change (leucine 1598 retained).
Molecular consequence: synonymous variant.
Genome position (GRCh38, 1-based): chr19:35,729,173, C>T. VCF-style: chr19-35729173-C-T. GRCh37 (hg19) VCF-style: chr19-36220074-C-T.
Identifiers: ClinVar variation 742075 (VCV000742075.8), dbSNP rs371880047, ClinGen allele CA9385224.

ClinVar aggregate classification (germline): Likely benign. Review status: criteria provided, multiple submitters, no conflicts (2 of 4 stars). 2 submissions from 2 submitters: Likely benign (2). Last evaluated 2025-12-03.

Allele frequency attached by ClinVar (database versions not stated): gnomAD exomes below 0.00001 and 0.00001; ExAC 0.00001; gnomAD 0.00001; TOPMed 0.00004.
gnomAD v4.1: 5 of 1,613,468 alleles (0.00031%); highest among the groups gnomAD compares: Admixed American, 0.005%; no homozygotes.

Submissions (2):

Labcorp Genetics (formerly Invitae), Labcorp
Classification: Likely benign. Last evaluated: 2025-12-03. Review status: criteria provided, single submitter. Criteria: Invitae Variant Classification Sherloc (09022015). Collection method: clinical testing. Allele origin: germline.

Women's Health and Genetics/Laboratory Corporation of America, LabCorp
Classification: Likely benign. Last evaluated: 2024-11-01. Review status: criteria provided, single submitter. Criteria: LabCorp Variant Classification Summary - May 2015. Collection method: clinical testing. Allele origin: germline.
Comment: Variant summary: KMT2B c.4794C>T alters a non-conserved nucleotide resulting in a synonymous change. Consensus agreement among computation tools predict no significant impact on normal splicing. However, these predictions have yet to be confirmed by functional studies. The variant allele was found at a frequency of 8.1e-06 in 247704 control chromosomes. The available data on variant occurrences in the general population are insufficient to allow any conclusion about variant significance. To our knowledge, no occurrence of c.4794C>T in individuals affected with Dystonia 28, Childhood-Onset and no experimental evidence demonstrating its impact on protein function have been reported. ClinVar contains an entry for this variant (Variation ID: 742075). Based on the evidence outlined above, the variant was classified as likely benign.